The following is an entry in ClinVar:

NM_004958.4(MTOR):c.7322G>A (p.Arg2441Gln)

Gene: MTOR (mechanistic target of rapamycin kinase; minus strand). Cytogenetic location: 1p36.22.
Variant type: single nucleotide variant.
Coding change: c.7322G>A on transcript NM_004958.4 (MANE Select); coding-DNA position 7322, G replaced by A.
Protein change: p.Arg2441Gln; replaces arginine 2441 with glutamine.
Molecular consequence: missense variant.
Genome position (GRCh38, 1-based): chr1:11,112,896, C>T on the plus strand (G>A on the coding strand, the complement: MTOR is on the minus strand). VCF-style: chr1-11112896-C-T. GRCh37 (hg19) VCF-style: chr1-11172953-C-T.
Other names: c.7322G>A, p.Arg2441Gln (NM_001386500.1); c.6074G>A, p.Arg2025Gln (NM_001386501.1); short protein forms R2025Q, R2441Q.
Identifiers: ClinVar variation 2799483 (VCV002799483.3), dbSNP rs1413993125, ClinGen allele CA338380514.

ClinVar aggregate classification (germline): Uncertain significance (1 of 4 stars; one submission).

Allele frequency attached by ClinVar (database versions not stated): TOPMed below 0.00001; gnomAD exomes below 0.00001.
gnomAD v4.1: 4 of 1,614,172 alleles (0.00025%); highest among the groups gnomAD compares: East Asian, 0.0022%; no homozygotes.

Submission:

Labcorp Genetics (formerly Invitae), Labcorp
Classification: Uncertain significance. Last evaluated: 2025-02-10. Review status: criteria provided, single submitter. Criteria: Invitae Variant Classification Sherloc (09022015). Collection method: clinical testing. Allele origin: germline.
Comment: This sequence change replaces arginine, which is basic and polar, with glutamine, which is neutral and polar, at codon 2441 of the MTOR protein (p.Arg2441Gln). The frequency data for this variant in the population databases is considered unreliable, as metrics indicate poor data quality at this position in the gnomAD database. This variant has not been reported in the literature in individuals affected with MTOR-related conditions. ClinVar contains an entry for this variant (Variation ID: 2799483). Invitae Evidence Modeling of protein sequence and biophysical properties (such as structural, functional, and spatial information, amino acid conservation, physicochemical variation, residue mobility, and thermodynamic stability) has been performed for this missense variant. However, the output from this modeling did not meet the statistical confidence thresholds required to predict the impact of this variant on MTOR protein function. In summary, the available evidence is currently insufficient to determine the role of this variant in disease. Therefore, it has been classified as a Variant of Uncertain Significance.